The following is an entry in ClinVar:

NM_182643.3(DLC1):c.3293C>G (p.Ala1098Gly)

Gene: DLC1 (DLC1 Rho GTPase activating protein; minus strand). Cytogenetic location: 8p22.
Variant type: single nucleotide variant.
Coding change: c.3293C>G on transcript NM_182643.3 (MANE Select); coding-DNA position 3293, C replaced by G.
Protein change: p.Ala1098Gly; replaces alanine 1098 with glycine.
Molecular consequence: missense variant.
Genome position (GRCh38, 1-based): chr8:13,095,120, G>C on the plus strand (C>G on the coding strand, the complement: DLC1 is on the minus strand). VCF-style: chr8-13095120-G-C. GRCh37 (hg19) VCF-style: chr8-12952629-G-C.
Other names: c.1733C>G, p.Ala578Gly (NM_001413131.1, NM_001413137.1); c.2219C>G, p.Ala740Gly (NM_001413132.1); c.1760C>G, p.Ala587Gly (NM_001413133.1, NM_001413138.1, NM_001164271.2 and 6 more transcripts); c.1982C>G, p.Ala661Gly (NM_001413135.1, NM_001413136.1, NM_001413139.1 and 1 more transcripts); c.2117C>G, p.Ala706Gly (NM_001413140.1); c.2084C>G, p.Ala695Gly (NM_001316668.2, NM_001413129.1); c.3293C>G, p.Ala1098Gly (NM_001348081.2, NM_001413124.1); c.2075C>G, p.Ala692Gly (NM_001413130.1); short protein forms A587G, A578G, A692G, A695G, A706G, A740G, A1098G, A661G.
Identifiers: ClinVar variation 3675298 (VCV003675298.2).

ClinVar aggregate classification (germline): Uncertain significance (1 of 4 stars; one submission).

gnomAD v4.1: 1 of 1,614,262 alleles (0.000062%); no homozygotes.

Submission:

Labcorp Genetics (formerly Invitae), Labcorp
Classification: Uncertain significance. Last evaluated: 2025-11-28. Review status: criteria provided, single submitter. Criteria: Invitae Variant Classification Sherloc (09022015). Collection method: clinical testing. Allele origin: germline.
Comment: This sequence change replaces alanine, which is neutral and non-polar, with glycine, which is neutral and non-polar, at codon 1098 of the DLC1 protein (p.Ala1098Gly). This variant is not present in population databases (gnomAD no frequency). This variant has not been reported in the literature in individuals affected with DLC1-related conditions. ClinVar contains an entry for this variant (Variation ID: 3675298). An algorithm developed to predict the effect of missense changes on protein structure and function (PolyPhen-2) suggests that this variant is likely to be disruptive. In summary, the available evidence is currently insufficient to determine the role of this variant in disease. Therefore, it has been classified as a Variant of Uncertain Significance.